The following is an entry in ClinVar:

ClinVar aggregate classification (germline): Uncertain significance (1 of 4 stars; one submission).

gnomAD v4.1: 180 of 1,612,980 alleles (0.011%); highest among the groups gnomAD compares: South Asian, 0.17%; 1 homozygote.

Submission:

Labcorp Genetics (formerly Invitae), Labcorp
Classification: Uncertain significance. Last evaluated: 2025-10-04. Review status: criteria provided, single submitter. Criteria: Invitae Variant Classification Sherloc (09022015). Collection method: clinical testing. Allele origin: germline.
Comment: This sequence change replaces proline, which is neutral and non-polar, with alanine, which is neutral and non-polar, at codon 147 of the ADGRB2 protein (p.Pro147Ala). This variant is present in population databases (rs575928761, gnomAD 0.1%), and has an allele count higher than expected for a pathogenic variant. This variant has not been reported in the literature in individuals affected with ADGRB2-related conditions. An algorithm developed to predict the effect of missense changes on protein structure and function (PolyPhen-2) suggests that this variant is likely to be disruptive. In summary, the available evidence is currently insufficient to determine the role of this variant in disease. Therefore, it has been classified as a Variant of Uncertain Significance.

NM_001364857.2(ADGRB2):c.439C>G (p.Pro147Ala)

Gene: ADGRB2 (adhesion G protein-coupled receptor B2; minus strand). Cytogenetic location: 1p35.2.
Variant type: single nucleotide variant.
Coding change: c.439C>G on transcript NM_001364857.2 (MANE Select); coding-DNA position 439, C replaced by G.
Protein change: p.Pro147Ala; replaces proline 147 with alanine.
Molecular consequence: missense variant.
Genome position (GRCh38, 1-based): chr1:31,756,398, G>C on the plus strand (C>G on the coding strand, the complement: ADGRB2 is on the minus strand). VCF-style: chr1-31756398-G-C. GRCh37 (hg19) VCF-style: chr1-32221999-G-C.
Other names: c.439C>G, p.Pro147Ala (NM_001294335.2, NM_001294336.2); short protein forms P147A.
Identifiers: ClinVar variation 4752065 (VCV004752065.1).